The following is an entry in ClinVar:

NM_000229.2(LCAT):c.96C>A (p.Phe32Leu)

Genes: LCAT (lecithin-cholesterol acyltransferase; minus strand), SLC12A4 (solute carrier family 12 member 4; minus strand). Cytogenetic location: 16q22.1.
Variant type: single nucleotide variant.
Coding change: c.96C>A on transcript NM_000229.2 (MANE Select); coding-DNA position 96, C replaced by A.
Protein change: p.Phe32Leu; replaces phenylalanine 32 with leucine.
Molecular consequence: missense variant. On other transcripts: 3 prime UTR variant (5).
Genome position (GRCh38, 1-based): chr16:67,944,006, G>T on the plus strand (C>A on the coding strand, the complement: LCAT is on the minus strand). VCF-style: chr16-67944006-G-T. GRCh37 (hg19) VCF-style: chr16-67977909-G-T.
Other names: c.*834C>A (NM_001145961.2, NM_001145962.1, NM_001145963.2 and 2 more transcripts); short protein forms F32L.
Identifiers: ClinVar variation 4700419 (VCV004700419.1).

ClinVar aggregate classification (germline): Uncertain significance (1 of 4 stars; one submission).

Submission:

Labcorp Genetics (formerly Invitae), Labcorp
Classification: Uncertain significance. Last evaluated: 2025-08-09. Review status: criteria provided, single submitter. Criteria: Invitae Variant Classification Sherloc (09022015). Collection method: clinical testing. Allele origin: germline.
Comment: This sequence change replaces phenylalanine, which is neutral and non-polar, with leucine, which is neutral and non-polar, at codon 32 of the LCAT protein (p.Phe32Leu). This variant is not present in population databases (gnomAD no frequency). This variant has not been reported in the literature in individuals affected with LCAT-related conditions. Invitae Evidence Modeling of protein sequence and biophysical properties (such as structural, functional, and spatial information, amino acid conservation, physicochemical variation, residue mobility, and thermodynamic stability) has been performed for this missense variant. However, the output from this modeling did not meet the statistical confidence thresholds required to predict the impact of this variant on LCAT protein function. In summary, the available evidence is currently insufficient to determine the role of this variant in disease. Therefore, it has been classified as a Variant of Uncertain Significance.